The following is an entry in ClinVar:

ClinVar aggregate classification (germline): Uncertain significance (1 of 4 stars; one submission).

Conditions:
Encephalopathy, acute, infection-induced (herpes-specific), susceptibility to, 6. Also called: Herpes simplex encephalitis, susceptibility to, 4. Identifiers: Orphanet 1930, MedGen C3553869, MONDO:0013921, OMIM 614850.

Submission:

Labcorp Genetics (formerly Invitae), Labcorp
Classification: Uncertain significance for Encephalopathy, acute, infection-induced (herpes-specific), susceptibility to, 6. Last evaluated: 2022-04-29. Review status: criteria provided, single submitter. Criteria: Invitae Variant Classification Sherloc (09022015). Collection method: clinical testing. Allele origin: germline.
Comment: A copy number gain of the genomic region encompassing the full coding sequence of the TICAM1 gene has been identified. The boundaries of this event are unknown as they extend beyond the assayed region for this gene and therefore may encompass additional genes. As the precise location of this event is unknown, it may be in tandem or it may be located elsewhere in the genome. This variant has not been reported in the literature in individuals affected with TICAM1-related conditions. Experimental studies and prediction algorithms are not available or were not evaluated, and the functional significance of this variant is currently unknown. In summary, the available evidence is currently insufficient to determine the role of this variant in disease. Therefore, it has been classified as a Variant of Uncertain Significance.

NC_000019.9:g.(?_4816251)_(4818389_?)dup

Gene: TICAM1 (TIR domain containing adaptor molecule 1; minus strand). Cytogenetic location: 19p13.3.
Variant type: Duplication.
Identifiers: ClinVar variation 2427608 (VCV002427608.4).